The following is an entry in ClinVar:

ClinVar aggregate classification (germline): Uncertain significance (1 of 4 stars; one submission).

Conditions:
Brugada syndrome 8 (BRGDA8). Identifiers: Orphanet 130, MedGen C2751083, MONDO:0013148, OMIM 613123.

Allele frequency attached by ClinVar (database versions not stated): gnomAD exomes below 0.00001.
gnomAD v4.1: 3 of 1,604,668 alleles (0.00019%); highest among the groups gnomAD compares: Non-Finnish European, 0.00017%; no homozygotes.

Submission:

Labcorp Genetics (formerly Invitae), Labcorp
Classification: Uncertain significance for Brugada syndrome 8. Last evaluated: 2024-04-01. Review status: criteria provided, single submitter. Criteria: Invitae Variant Classification Sherloc (09022015). Collection method: clinical testing. Allele origin: germline.
Comment: This sequence change replaces tyrosine, which is neutral and polar, with cysteine, which is neutral and slightly polar, at codon 1142 of the HCN4 protein (p.Tyr1142Cys). This variant is not present in population databases (gnomAD no frequency). This variant has not been reported in the literature in individuals affected with HCN4-related conditions. ClinVar contains an entry for this variant (Variation ID: 2163642). Advanced modeling of protein sequence and biophysical properties (such as structural, functional, and spatial information, amino acid conservation, physicochemical variation, residue mobility, and thermodynamic stability) performed at Invitae indicates that this missense variant is not expected to disrupt HCN4 protein function with a negative predictive value of 95%. In summary, the available evidence is currently insufficient to determine the role of this variant in disease. Therefore, it has been classified as a Variant of Uncertain Significance.

NM_005477.3(HCN4):c.3425A>G (p.Tyr1142Cys)

Gene: HCN4 (hyperpolarization activated cyclic nucleotide gated potassium channel 4; minus strand). Cytogenetic location: 15q24.1.
Variant type: single nucleotide variant.
Coding change: c.3425A>G on transcript NM_005477.3 (MANE Select); coding-DNA position 3425, A replaced by G.
Protein change: p.Tyr1142Cys; replaces tyrosine 1142 with cysteine.
Molecular consequence: missense variant.
Genome position (GRCh38, 1-based): chr15:73,322,668, T>C on the plus strand (A>G on the coding strand, the complement: HCN4 is on the minus strand). VCF-style: chr15-73322668-T-C. GRCh37 (hg19) VCF-style: chr15-73615009-T-C.
Other names: short protein forms Y1142C.
Identifiers: ClinVar variation 2163642 (VCV002163642.4), dbSNP rs1567766675, ClinGen allele CA393085355.
Genomic context (GRCh38, chr15:73,322,668, plus strand): 5'-GGCAAAGAACCTGAGGATGTCTTCCGAGGCAGAGTGACGTGCTGGCCGGGGATGGCACCA[T>C]AGGGCCTCCCAGGGGGACCGAGGCCCCCGCTGCTCCCACTGCCCCCGCTGCCACCCCCAG-3'
Protein context (NP_005468.1, residues 1132-1152): SGGLGPPGRP[Tyr1142Cys]GAIPGQHVTL